The following is an entry in ClinVar:

ClinVar aggregate classification (germline): Uncertain significance. Review status: criteria provided, multiple submitters, no conflicts (2 of 4 stars). 2 submissions from 2 submitters: Uncertain significance (2). Last evaluated 2024-01-25.

Conditions:
Inborn genetic diseases. Identifiers: MedGen C0950123, MeSH D030342.

Allele frequency attached by ClinVar (database versions not stated): gnomAD exomes 0.00003; ExAC 0.00005.
gnomAD v4.1: 53 of 1,613,270 alleles (0.0033%); highest among the groups gnomAD compares: South Asian, 0.037%; no homozygotes.

Submissions (2):

GeneDx
Classification: Uncertain significance. Last evaluated: 2024-01-25. Review status: criteria provided, single submitter. Criteria: GeneDx Variant Classification Process June 2021. Collection method: clinical testing. Allele origin: germline. Affected: yes.
Comment: In silico analysis supports that this missense variant does not alter protein structure/function; Has not been previously published as pathogenic or benign to our knowledge

Ambry Genetics
Classification: Uncertain significance for Inborn genetic diseases. Last evaluated: 2022-12-15. Review status: criteria provided, single submitter. Criteria: Ambry Variant Classification Scheme 2023. Collection method: clinical testing. Allele origin: germline.

NM_003922.4(HERC1):c.8618G>A (p.Arg2873His)

Gene: HERC1 (HECT and RLD domain containing E3 ubiquitin protein ligase family member 1; minus strand). Cytogenetic location: 15q22.31.
Variant type: single nucleotide variant.
Coding change: c.8618G>A on transcript NM_003922.4 (MANE Select); coding-DNA position 8618, G replaced by A.
Protein change: p.Arg2873His; replaces arginine 2873 with histidine.
Molecular consequence: missense variant.
Genome position (GRCh38, 1-based): chr15:63,664,532, C>T on the plus strand (G>A on the coding strand, the complement: HERC1 is on the minus strand). VCF-style: chr15-63664532-C-T. GRCh37 (hg19) VCF-style: chr15-63956731-C-T.
Other names: short protein forms R2873H.
Identifiers: ClinVar variation 2383261 (VCV002383261.3), dbSNP rs765684383, ClinGen allele CA7604893.